The following is an entry in ClinVar:

NM_004333.6(BRAF):c.1140+2553_1140+2554del

Gene: BRAF (B-Raf proto-oncogene, serine/threonine kinase; minus strand). Cytogenetic location: 7q34.
Variant type: Microsatellite.
Coding change: c.1140+2553_1140+2554del on transcript NM_004333.6 (MANE Select); bases 2553 to 2554 of the intron after coding-DNA position 1140, 2 bases deleted (CA; older notation c.1140+2553_1140+2554delCA).
Molecular consequence: intron variant.
Genome position (GRCh38, 1-based): chr7:140,791,754-140,791,755, TG deleted on the plus strand (CA on the coding strand, the reverse complement: BRAF is on the minus strand); deleting any 2 consecutive bases within chr7:140,791,754-140,791,757 gives the same sequence; the c. name uses the placement nearest the transcript's 3' end. VCF-style (leftmost placement, unchanged base first): chr7-140791753-CTG-C. GRCh37 (hg19) VCF-style: chr7-140491553-CTG-C.
Other names: c.1038+2553_1038+2554del (NM_001378470.1); c.876+2553_876+2554del (NM_001378475.1); c.1140+2553_1140+2554del (NM_001378471.1, NM_001378468.1, NM_001354609.2 and 4 more transcripts); c.1149+2553_1149+2554del (NM_001378467.1); c.984+2553_984+2554del (NM_001378472.1, NM_001378473.1).
Identifiers: ClinVar variation 2658060 (VCV002658060.24), dbSNP rs536137471, ClinGen allele CA168098581.

ClinVar aggregate classification (germline): Likely benign (1 of 4 stars; one submission).

Submission:

CeGaT Center for Human Genetics Tuebingen
Classification: Likely benign. Last evaluated: 2024-09-01. Review status: criteria provided, single submitter. Criteria: CeGaT Center For Human Genetics Tuebingen Variant Classification Criteria Version 2. Collection method: clinical testing. Allele origin: germline. Affected: yes. Observed: 5 variant alleles.
Comment: BRAF: BS1